The following is an entry in ClinVar:

NM_001374736.1(DST):c.11616C>T (p.Asn3872=)

Gene: DST (dystonin; minus strand). Cytogenetic location: 6p12.1.
Variant type: single nucleotide variant.
Coding change: c.11616C>T on transcript NM_001374736.1 (MANE Select); coding-DNA position 11616, C replaced by T.
Protein change: p.Asn3872=; no amino-acid change (asparagine 3872 retained).
Molecular consequence: synonymous variant.
Genome position (GRCh38, 1-based): chr6:56,600,147, G>A on the plus strand (C>T on the coding strand, the complement: DST is on the minus strand). VCF-style: chr6-56600147-G-A. GRCh37 (hg19) VCF-style: chr6-56464945-G-A.
Other names: c.5259C>T, p.Asn1753= (NM_001144769.5); c.4845C>T, p.Asn1615= (NM_001144770.2); c.11616C>T, p.Asn3872= (NM_001374722.1); c.10983C>T, p.Asn3661= (NM_001374729.1); c.4725C>T, p.Asn1575= (NM_001374730.1, NM_001386100.1, NM_183380.4); c.11643C>T, p.Asn3881= (NM_001374734.1); c.3747C>T, p.Asn1249= (NM_015548.5); c.5259C>T (NM_001144769.2).
Identifiers: ClinVar variation 1641202 (VCV001641202.9), dbSNP rs781115542, ClinGen allele CA3868619.

ClinVar aggregate classification (germline): Likely benign. Review status: criteria provided, multiple submitters, no conflicts (2 of 4 stars). 2 submissions from 2 submitters: Likely benign (2). Last evaluated 2025-07-18.

Conditions:
DST-related disorder. Also called: DST-related disorders; DST-related condition.
Epidermolysis bullosa simplex 3, localized or generalized intermediate, with BP230 deficiency (EBS3). Also called: Epidermolysis bullosa simplex, autosomal recessive 2; Epidermolysis bullosa simplex due to BP230 deficiency. Identifiers: Orphanet 412181, MedGen C3809470, MONDO:0014180, OMIM 615425.
Hereditary sensory and autonomic neuropathy type 6. Also called: Neuropathy, hereditary sensory and autonomic, type VI; HSAN VI. Identifiers: Orphanet 314381, MedGen C3539003, MONDO:0013839, OMIM 614653.

Allele frequency attached by ClinVar (database versions not stated): gnomAD exomes below 0.00001 and 0.00002; ExAC 0.00001; TOPMed 0.00001; gnomAD 0.00002.
gnomAD v4.1: 38 of 1,612,822 alleles (0.0024%); highest among the groups gnomAD compares: Middle Eastern, 0.016%; no homozygotes.

Submissions (2):

Labcorp Genetics (formerly Invitae), Labcorp
Classification: Likely benign for Epidermolysis bullosa simplex 3, localized or generalized intermediate, with BP230 deficiency; Hereditary sensory and autonomic neuropathy type 6. Last evaluated: 2025-07-18. Review status: criteria provided, single submitter. Criteria: Invitae Variant Classification Sherloc (09022015). Collection method: clinical testing. Allele origin: germline.

PreventionGenetics, part of Exact Sciences
Classification: Likely benign for DST-related condition. Last evaluated: 2025-03-26. Review status: criteria provided, single submitter. Criteria: ACMG Guidelines, 2015. Collection method: clinical testing. Allele origin: germline.
Comment: This variant is classified as likely benign based on ACMG/AMP sequence variant interpretation guidelines (Richards et al. 2015 PMID: 25741868, with internal and published modifications).